The following is an entry in ClinVar:

ClinVar aggregate classification (germline): Likely benign. Review status: criteria provided, multiple submitters, no conflicts (2 of 4 stars). 2 submissions from 2 submitters: Likely benign (2). Last evaluated 2026-03-01.

Conditions:
Congenital dyserythropoietic anemia, type II (CDAN2). Also called: DYSERYTHROPOIETIC ANEMIA, HEMPAS TYPE. Identifiers: Orphanet 98873, MedGen C1306589, MONDO:0009134, OMIM 224100.
Cowden syndrome 7 (CWS7). Identifiers: Orphanet 201, MedGen C4225179, MONDO:0014802, OMIM 616858.

Allele frequency attached by ClinVar (database versions not stated): ExAC 0.00001; TOPMed 0.00002; gnomAD 0.00003.

Submissions (2):

CeGaT Center for Human Genetics Tuebingen
Classification: Likely benign. Last evaluated: 2026-03-01. Review status: criteria provided, single submitter. Criteria: CeGaT Center For Human Genetics Tuebingen Variant Classification Criteria Version 2. Collection method: clinical testing. Allele origin: germline. Affected: yes. Observed: 1 variant allele.
Comment: SEC23B: BP4, BP7

Labcorp Genetics (formerly Invitae), Labcorp
Classification: Likely benign for Congenital dyserythropoietic anemia, type II; Cowden syndrome 7. Last evaluated: 2023-02-03. Review status: criteria provided, single submitter. Criteria: Invitae Variant Classification Sherloc (09022015). Collection method: clinical testing. Allele origin: germline.

NM_006363.6(SEC23B):c.1416G>A (p.Pro472=)

Gene: SEC23B (SEC23 homolog B, COPII component; plus strand). Cytogenetic location: 20p11.23.
Variant type: single nucleotide variant.
Coding change: c.1416G>A on transcript NM_006363.6 (MANE Select); coding-DNA position 1416, G replaced by A.
Protein change: p.Pro472=; no amino-acid change (proline 472 retained).
Molecular consequence: synonymous variant.
Genome position (GRCh38, 1-based): chr20:18,542,307, G>A. VCF-style: chr20-18542307-G-A. GRCh37 (hg19) VCF-style: chr20-18522951-G-A.
Other names: c.1416G>A, p.Pro472= (NM_001172745.3, NM_032985.6, NM_032986.5); c.1362G>A, p.Pro454= (NM_001172746.3).
Identifiers: ClinVar variation 2926041 (VCV002926041.7), dbSNP rs748683808, ClinGen allele CA9778356.
Genomic context (GRCh38, chr20:18,542,307, plus strand): 5'-GTTTGAGTTGCGCCTATAACAGACAAGGTTATGGCCTCTCATCCTACAGCACAACACCCC[G>A]ATCCCCCAAGGAGGCAGAGGAGCCATCCAGTTTGTCACGCATTATCAGCACTCCAGCACC-3'
Protein context (NP_006354.2, residues 462-482): YFEVVNQHNT[Pro472=]IPQGGRGAIQ